The following is an entry in ClinVar:

ClinVar aggregate classification (germline): Benign (1 of 4 stars; one submission).

Allele frequency attached by ClinVar (database versions not stated): 1000 Genomes Project 30x 0.40162; 1000 Genomes Project 0.40176; TOPMed 0.41358; gnomAD 0.41383 and 0.41769.
gnomAD v4.1: 62,643 of 151,218 alleles (41%); highest among the groups gnomAD compares: East Asian, 47%; 12,874 homozygotes.

Submission:

GeneDx
Classification: Benign. Last evaluated: 2018-06-19. Review status: criteria provided, single submitter. Criteria: GeneDx Variant Classification (06012015). Collection method: clinical testing. Allele origin: germline. Affected: yes.
Comment: This variant is considered likely benign or benign based on one or more of the following criteria: it is a conservative change, it occurs at a poorly conserved position in the protein, it is predicted to be benign by multiple in silico algorithms, and/or has population frequency not consistent with disease.

NM_000147.5(FUCA1):c.969+227A>G

Gene: FUCA1 (alpha-L-fucosidase 1; minus strand). Cytogenetic location: 1p36.11.
Variant type: single nucleotide variant.
Coding change: c.969+227A>G on transcript NM_000147.5 (MANE Select); 227 bases into the intron after coding-DNA position 969, A replaced by G.
Molecular consequence: intron variant.
Genome position (GRCh38, 1-based): chr1:23,854,133, T>C on the plus strand (A>G on the coding strand, the complement: FUCA1 is on the minus strand). VCF-style: chr1-23854133-T-C. GRCh37 (hg19) VCF-style: chr1-24180623-T-C.
Identifiers: ClinVar variation 683932 (VCV000683932.1), dbSNP rs35904775, ClinGen allele CA10964415.
Genomic context (GRCh38, chr1:23,854,133, plus strand): 5'-AATAAATAAATAAATAAATAAAAAACTGGACACCCTACTACCCACACCCACTTTAAGATA[T>C]AGATTACAACCAACACCGTTAAAGCCCTTTTGCATGCCCTTCTCCATCCCAGCCCCCTCC-3'